The following is an entry in ClinVar:

ClinVar aggregate classification (germline): Uncertain significance (1 of 4 stars; one submission).

Submission:

Labcorp Genetics (formerly Invitae), Labcorp
Classification: Uncertain significance. Last evaluated: 2023-12-11. Review status: criteria provided, single submitter. Criteria: Invitae Variant Classification Sherloc (09022015). Collection method: clinical testing. Allele origin: germline.
Comment: This sequence change replaces isoleucine, which is neutral and non-polar, with methionine, which is neutral and non-polar, at codon 341 of the AHR protein (p.Ile341Met). This variant is not present in population databases (gnomAD no frequency). This variant has not been reported in the literature in individuals affected with AHR-related conditions. ClinVar contains an entry for this variant (Variation ID: 1995072). Algorithms developed to predict the effect of missense changes on protein structure and function output the following: SIFT: "Not Available"; PolyPhen-2: "Benign"; Align-GVGD: "Not Available". The methionine amino acid residue is found in multiple mammalian species, which suggests that this missense change does not adversely affect protein function. In summary, the available evidence is currently insufficient to determine the role of this variant in disease. Therefore, it has been classified as a Variant of Uncertain Significance.

NM_001621.5(AHR):c.1023T>G (p.Ile341Met)

Gene: AHR (aryl hydrocarbon receptor; plus strand). Cytogenetic location: 7p21.1.
Variant type: single nucleotide variant.
Coding change: c.1023T>G on transcript NM_001621.5 (MANE Select); coding-DNA position 1023, T replaced by G.
Protein change: p.Ile341Met; replaces isoleucine 341 with methionine.
Molecular consequence: missense variant.
Genome position (GRCh38, 1-based): chr7:17,335,649, T>G. VCF-style: chr7-17335649-T-G. GRCh37 (hg19) VCF-style: chr7-17375273-T-G.
Other names: short protein forms I341M.
Identifiers: ClinVar variation 1995072 (VCV001995072.4), dbSNP rs1181659322, ClinGen allele CA366892662.